The following is an entry in ClinVar:

NM_005051.3(QARS1):c.2087T>G (p.Phe696Cys)

Gene: QARS1 (glutaminyl-tRNA synthetase 1; minus strand). Cytogenetic location: 3p21.31.
Variant type: single nucleotide variant.
Coding change: c.2087T>G on transcript NM_005051.3 (MANE Select); coding-DNA position 2087, T replaced by G.
Protein change: p.Phe696Cys; replaces phenylalanine 696 with cysteine.
Molecular consequence: missense variant. On other transcripts: non-coding transcript variant (1).
Genome position (GRCh38, 1-based): chr3:49,098,256, A>C on the plus strand (T>G on the coding strand, the complement: QARS1 is on the minus strand). VCF-style: chr3-49098256-A-C. GRCh37 (hg19) VCF-style: chr3-49135689-A-C.
Other names: c.2054T>G, p.Phe685Cys (NM_001272073.2); c.2087T>G (NM_005051.1); short protein forms F696C, F685C.
Identifiers: ClinVar variation 2129662 (VCV002129662.5), dbSNP rs2042417825, ClinGen allele CA352698574.

ClinVar aggregate classification (germline): Uncertain significance. Review status: criteria provided, multiple submitters, no conflicts (2 of 4 stars). 2 submissions from 2 submitters: Uncertain significance (2). Last evaluated 2025-03-22.

Conditions:
Diffuse cerebral and cerebellar atrophy - intractable seizures - progressive microcephaly syndrome. Also called: Microcephaly, progressive, with seizures and cerebral and cerebellar atrophy. Identifiers: Orphanet 404437, MedGen C4014239, MONDO:0014335, OMIM 615760.
Inborn genetic diseases. Identifiers: MedGen C0950123, MeSH D030342.

Allele frequency attached by ClinVar (database versions not stated): gnomAD exomes below 0.00001; gnomAD 0.00001.

Submissions (2):

Ambry Genetics
Classification: Uncertain significance for Inborn genetic diseases. Last evaluated: 2025-03-22. Review status: criteria provided, single submitter. Criteria: Ambry Variant Classification Scheme 2023. Collection method: clinical testing. Allele origin: germline.

Labcorp Genetics (formerly Invitae), Labcorp
Classification: Uncertain significance for Diffuse cerebral and cerebellar atrophy - intractable seizures - progressive microcephaly syndrome. Last evaluated: 2022-04-23. Review status: criteria provided, single submitter. Criteria: Invitae Variant Classification Sherloc (09022015). Collection method: clinical testing. Allele origin: germline.
Comment: This variant is not present in population databases (gnomAD no frequency). This sequence change replaces phenylalanine, which is neutral and non-polar, with cysteine, which is neutral and slightly polar, at codon 696 of the QARS protein (p.Phe696Cys). In summary, the available evidence is currently insufficient to determine the role of this variant in disease. Therefore, it has been classified as a Variant of Uncertain Significance. Algorithms developed to predict the effect of missense changes on protein structure and function (SIFT, PolyPhen-2, Align-GVGD) all suggest that this variant is likely to be disruptive. This variant has not been reported in the literature in individuals affected with QARS-related conditions.